The following is an entry in ClinVar:

ClinVar aggregate classification (germline): Pathogenic. Review status: criteria provided, multiple submitters, no conflicts (2 of 4 stars). 3 submissions from 3 submitters: Pathogenic (2). 1 of the submissions does not count toward it. Last evaluated 2026-02-01.

Conditions:
Myoclonic dystonia 26. Identifiers: MedGen C4225341, MONDO:0014620, OMIM 616398.

Submissions (3):

Labcorp Genetics (formerly Invitae), Labcorp
Classification: Pathogenic for Myoclonic dystonia 26. Last evaluated: 2026-02-01. Review status: criteria provided, single submitter. Criteria: Invitae Variant Classification Sherloc (09022015). Collection method: clinical testing. Allele origin: germline.
Comment: This sequence change replaces arginine, which is basic and polar, with histidine, which is basic and polar, at codon 145 of the KCTD17 protein (p.Arg145His). This variant is not present in population databases (gnomAD no frequency). This missense change has been observed in individuals with myoclonus-dystonia (PMID: 25983243). It has also been observed to segregate with disease in related individuals. ClinVar contains an entry for this variant (Variation ID: 191372). Invitae Evidence Modeling of protein sequence and biophysical properties (such as structural, functional, and spatial information, amino acid conservation, physicochemical variation, residue mobility, and thermodynamic stability) indicates that this missense variant is not expected to disrupt KCTD17 protein function with a negative predictive value of 80%. Experimental studies have shown that this missense change affects KCTD17 function (PMID: 25983243). For these reasons, this variant has been classified as Pathogenic.

CeGaT Center for Human Genetics Tuebingen
Classification: Pathogenic. Last evaluated: 2019-07-01. Review status: criteria provided, single submitter. Criteria: CeGaT Center For Human Genetics Tuebingen Variant Classification Criteria Version 2. Collection method: clinical testing. Allele origin: germline. Affected: yes. Observed: 1 variant allele.

OMIM
Classification: Pathogenic for DYSTONIA 26, MYOCLONIC. Last evaluated: 2015-05-12. Review status: no assertion criteria provided. Collection method: literature only. Allele origin: germline. Not counted in ClinVar's aggregate classification.

Literature cited by the submitters: PubMed 25983243 (cited by Labcorp Genetics (formerly Invitae), Labcorp and OMIM).

NM_001282684.2(KCTD17):c.413G>A (p.Arg138His)

Gene: KCTD17 (potassium channel tetramerization domain containing 17; plus strand). Cytogenetic location: 22q12.3.
Variant type: single nucleotide variant.
Coding change: c.413G>A on transcript NM_001282684.2 (MANE Select); coding-DNA position 413, G replaced by A.
Protein change: p.Arg138His; replaces arginine 138 with histidine.
Molecular consequence: missense variant.
Genome position (GRCh38, 1-based): chr22:37,057,420, G>A. VCF-style: chr22-37057420-G-A. GRCh37 (hg19) VCF-style: chr22-37453460-G-A.
Other names: c.413G>A, p.Arg138His (NM_001282685.2, NM_001282686.2, NM_024681.4); short protein forms R145H, R138H.
Identifiers: ClinVar variation 191372 (VCV000191372.44), dbSNP rs786205860, ClinGen allele CA199778.
Genomic context (GRCh38, chr22:37,057,420, plus strand): 5'-TCCCACAGGTGCCCTCTATGTGACCCTTCTGCCCACAGGTCCCACCCAAGCACGTGTACC[G>A]CGTGCTGCAGTGCCAGGAGGAGGAGCTCACGCAAATGGTCTCCACCATGTCTGATGGCTG-3'
Protein context (NP_001269613.2, residues 128-148): VTQVPPKHVY[Arg138His]VLQCQEEELT